The following is an entry in ClinVar:

NM_004991.4(MECOM):c.847C>A (p.Leu283Met)

Gene: MECOM (MDS1 and EVI1 complex locus; minus strand). Cytogenetic location: 3q26.2.
Variant type: single nucleotide variant.
Coding change: c.847C>A on transcript NM_004991.4 (MANE Select); coding-DNA position 847, C replaced by A.
Protein change: p.Leu283Met; replaces leucine 283 with methionine.
Molecular consequence: missense variant.
Genome position (GRCh38, 1-based): chr3:169,122,711, G>T on the plus strand (C>A on the coding strand, the complement: MECOM is on the minus strand). VCF-style: chr3-169122711-G-T. GRCh37 (hg19) VCF-style: chr3-168840499-G-T.
Other names: c.283C>A, p.Leu95Met (NM_001366472.2, NM_001366474.2, NM_005241.4 and 9 more transcripts); c.847C>A, p.Leu283Met (NM_001366473.2, NM_001366466.2); c.475C>A, p.Leu159Met (NM_001105077.4); short protein forms L159M, L283M, L95M.
Identifiers: ClinVar variation 5024165 (VCV005024165.1).

ClinVar aggregate classification (germline): Uncertain significance (1 of 4 stars; one submission).

Conditions:
Inborn genetic diseases. Identifiers: MedGen C0950123, MeSH D030342.

gnomAD v4.1: 1 of 1,613,740 alleles (0.000062%); highest among the groups gnomAD compares: Non-Finnish European, 0.000085%; no homozygotes.

Submission:

Ambry Genetics
Classification: Uncertain significance for Inborn genetic diseases. Last evaluated: 2026-08-03. Review status: criteria provided, single submitter. Criteria: Ambry Variant Classification Scheme 2023. Collection method: clinical testing. Allele origin: germline.
Comment: The p.L283M variant (also known as c.847C>A), located in coding exon 6 of the MECOM gene, results from a C to A substitution at nucleotide position 847. The leucine at codon 283 is replaced by methionine, an amino acid with highly similar properties. This amino acid position is conserved. In addition, this alteration is predicted to be tolerated by in silico analysis. Based on the available evidence, the clinical significance of this variant remains unclear.